The following is an entry in ClinVar:

NM_000539.3(RHO):c.302G>T (p.Gly101Val)

Gene: RHO (rhodopsin; plus strand). Cytogenetic location: 3q22.1.
Variant type: single nucleotide variant.
Coding change: c.302G>T on transcript NM_000539.3 (MANE Select); coding-DNA position 302, G replaced by T.
Protein change: p.Gly101Val; replaces glycine 101 with valine.
Molecular consequence: missense variant.
Genome position (GRCh38, 1-based): chr3:129,529,035, G>T. VCF-style: chr3-129529035-G-T. GRCh37 (hg19) VCF-style: chr3-129247878-G-T.
Other names: short protein forms G101V.
Identifiers: ClinVar variation 625301 (VCV000625301.4), dbSNP rs759945007, ClinGen allele CA354496798.

ClinVar aggregate classification (germline): Conflicting classifications of pathogenicity. Review status: criteria provided, conflicting classifications (1 of 4 stars). 2 submissions from 2 submitters: Pathogenic (1); Uncertain significance (1). Last evaluated 2023-12-16.

Conditions:
Retinitis pigmentosa 4 (RP4). Also called: RETINITIS PIGMENTOSA, RHODOPSIN-RELATED. Identifiers: Orphanet 791, MedGen C3151001, MONDO:0013395, OMIM 613731.

Submissions (2):

Labcorp Genetics (formerly Invitae), Labcorp
Classification: Uncertain significance. Last evaluated: 2023-12-16. Review status: criteria provided, single submitter. Criteria: Invitae Variant Classification Sherloc (09022015). Collection method: clinical testing. Allele origin: germline.
Comment: This sequence change replaces glycine, which is neutral and non-polar, with valine, which is neutral and non-polar, at codon 101 of the RHO protein (p.Gly101Val). This variant is not present in population databases (gnomAD no frequency). This missense change has been observed in individual(s) with autosomal dominant RHO-related conditions (PMID: 28981474). ClinVar contains an entry for this variant (Variation ID: 625301). Advanced modeling of protein sequence and biophysical properties (such as structural, functional, and spatial information, amino acid conservation, physicochemical variation, residue mobility, and thermodynamic stability) performed at Invitae indicates that this missense variant is expected to disrupt RHO protein function with a positive predictive value of 80%. Experimental studies have shown that this missense change affects RHO function (PMID: 30977563). This variant disrupts the p.Gly101 amino acid residue in RHO. Other variant(s) that disrupt this residue have been observed in individuals with RHO-related conditions (PMID: 26161267, 35052368), which suggests that this may be a clinically significant amino acid residue. In summary, the available evidence is currently insufficient to determine the role of this variant in disease. Therefore, it has been classified as a Variant of Uncertain Significance.

Ocular Genomics Institute, Massachusetts Eye and Ear
Classification: Pathogenic for Retinitis pigmentosa 4. Last evaluated: 2019-01-09. Review status: criteria provided, single submitter. Criteria: Comander et al. Genes (Basel). 2017). Collection method: research. Allele origin: germline. Affected: yes.

Literature cited by the submitters: PubMed 28981474 (cited by Labcorp Genetics (formerly Invitae), Labcorp); PubMed 30977563 (cited by Labcorp Genetics (formerly Invitae), Labcorp); PubMed 26161267 (cited by Labcorp Genetics (formerly Invitae), Labcorp); PubMed 35052368 (cited by Labcorp Genetics (formerly Invitae), Labcorp).